The following is an entry in ClinVar:

NC_000005.10:g.173245281T>C

Gene: NKX2-5 (NK2 homeobox 5; minus strand). Cytogenetic location: 5q35.1.
Variant type: single nucleotide variant.
Genome position: GRCh38 VCF-style: chr5-173245281-T-C. GRCh37 (hg19) VCF-style: chr5-172672284-T-C.
Identifiers: ClinVar variation 4986371 (VCV004986371.1).
Genomic context (GRCh38, chr5:173,245,281, plus strand): 5'-GACCTCAGGTGATCGGCCCGCCTCGGCCTCCTAAAGTGCTGGGATTACAGGCGTGAGCCA[T>C]GGCGCCCGGCCTGATGTGCTTTAAATTCGCTAAAACGACACGGGTACACACAGGCGCCCT-3'

ClinVar aggregate classification (germline): Likely benign (1 of 4 stars; one submission).

Conditions:
NKX2-5-related disorder. Also called: NKX2-5-related condition.

Submission:

PreventionGenetics, part of Exact Sciences
Classification: Likely benign for NKX2-5-related condition. Last evaluated: 2025-03-17. Review status: criteria provided, single submitter. Criteria: ACMG Guidelines, 2015. Collection method: clinical testing. Allele origin: germline.
Comment: This variant is classified as likely benign based on ACMG/AMP sequence variant interpretation guidelines (Richards et al. 2015 PMID: 25741868, with internal and published modifications).